The following is an entry in ClinVar:

NM_004370.6(COL12A1):c.487A>G (p.Ile163Val)

Gene: COL12A1 (collagen type XII alpha 1 chain; minus strand). Cytogenetic location: 6q13.
Variant type: single nucleotide variant.
Coding change: c.487A>G on transcript NM_004370.6 (MANE Select); coding-DNA position 487, A replaced by G.
Protein change: p.Ile163Val; replaces isoleucine 163 with valine.
Molecular consequence: missense variant. On other transcripts: intron variant (2).
Genome position (GRCh38, 1-based): chr6:75,189,723, T>C on the plus strand (A>G on the coding strand, the complement: COL12A1 is on the minus strand). VCF-style: chr6-75189723-T-C. GRCh37 (hg19) VCF-style: chr6-75899439-T-C.
Other names: p.Ile163Val; c.487A>G, p.Ile163Val (NM_001424113.1, NM_001424114.1, NM_001424115.1); c.73+12997A>G (NM_001424116.1, NM_080645.3); short protein forms I163V.
Identifiers: ClinVar variation 3379701 (VCV003379701.1).
Genomic context (GRCh38, chr6:75,189,723, plus strand): 5'-GAACAACTCCAACTCTTGTCTTCTCTTCCCCAATGTCAAAAGCAGACACAAGAGCAGCAA[T>C]GAAGTCTAAAATGTACTTGAAATTATTTCTTCCCACACTCCAAGAGCCATCCACGAGGAA-3'
Protein context (NP_004361.3, residues 153-173): RNNFKYILDF[Ile163Val]AALVSAFDIG

ClinVar aggregate classification (germline): Uncertain significance (1 of 4 stars; one submission).

gnomAD v4.1: 1 of 1,613,386 alleles (0.000062%); highest among the groups gnomAD compares: Non-Finnish European, 0.000085%; no homozygotes.

Submission:

Mayo Clinic Laboratories, Mayo Clinic
Classification: Uncertain significance. Last evaluated: 2023-07-12. Review status: criteria provided, single submitter. Criteria: ACMG Guidelines, 2015. Collection method: clinical testing. Allele origin: germline. Observed: 1 variant allele.
Comment: PM2